The following is an entry in ClinVar:

NM_000497.4(CYP11B1):c.712dup (p.Met238fs)

Genes: CYP11B1 (cytochrome P450 family 11 subfamily B member 1; minus strand), LOC106799833 (CYP11B1 recombination region; plus strand). Cytogenetic location: 8q24.3.
Variant type: Duplication.
Coding change: c.712dup on transcript NM_000497.4 (MANE Select); coding-DNA position 712, one base duplicated (A; older notation c.712dupA).
Protein change: p.Met238fs; shifts the reading frame from methionine 238.
Molecular consequence: frameshift variant.
Genome position (GRCh38, 1-based): chr8:142,876,769, T duplicated on the plus strand (A on the coding strand, the reverse complement: CYP11B1 is on the minus strand). VCF-style (leftmost placement, unchanged base first): chr8-142876768-A-AT. GRCh37 (hg19) VCF-style: chr8-143958184-A-AT.
Other names: c.712dup, p.Met238fs (NM_001026213.1); short protein forms M238fs.
Identifiers: ClinVar variation 1723935 (VCV001723935.5), dbSNP rs2488678124, ClinGen allele CA2580078668.

ClinVar aggregate classification (germline): Pathogenic/Likely pathogenic. Review status: criteria provided, multiple submitters, no conflicts (2 of 4 stars). 2 submissions from 2 submitters: Pathogenic (1); Likely pathogenic (1). Last evaluated 2023-06-02.

Conditions:
Deficiency of steroid 11-beta-monooxygenase (CYP11B1). Also called: ADRENAL HYPERPLASIA, CONGENITAL, DUE TO STEROID 11-BETA-HYDROXYLASE DEFICIENCY; 11-BETA-HYDROXYLASE DEFICIENCY; Congenital adrenal hyperplasia due to 11-beta-hydroxylase deficiency; P450C11B1 DEFICIENCY; STEROID 11-BETA-HYDROXYLASE DEFICIENCY; ADRENAL HYPERPLASIA IV. Identifiers: Orphanet 90795, MedGen C0268292, MONDO:0008729, OMIM 202010. Disease mechanism: loss of function.

Submissions (2):

Labcorp Genetics (formerly Invitae), Labcorp
Classification: Pathogenic. Last evaluated: 2023-06-02. Review status: criteria provided, single submitter. Criteria: Invitae Variant Classification Sherloc (09022015). Collection method: clinical testing. Allele origin: germline.
Comment: For these reasons, this variant has been classified as Pathogenic. ClinVar contains an entry for this variant (Variation ID: 1723935). This variant has not been reported in the literature in individuals affected with CYP11B1-related conditions. This variant is not present in population databases (gnomAD no frequency). This sequence change creates a premature translational stop signal (p.Met238Asnfs*21) in the CYP11B1 gene. It is expected to result in an absent or disrupted protein product. Loss-of-function variants in CYP11B1 are known to be pathogenic (PMID: 8506298, 26476331).

Myriad Genetics, Inc.
Classification: Likely pathogenic for Deficiency of steroid 11-beta-monooxygenase. Last evaluated: 2022-01-13. Review status: criteria provided, single submitter. Criteria: Myriad Women's Health Autosomal Recessive and X-Linked Classification Criteria (2021). Collection method: clinical testing. Allele origin: unknown.
Comment: NM_000497.3(CYP11B1):c.712dupA(M238Nfs*21) is expected to be pathogenic in the context of congenital adrenal hyperplasia, CYP11B1-related. This variant is predicted to lead to an abnormal or absent protein product due to the creation of a premature termination codon in CYP11B1, a gene where loss-of-function variants are known to be pathogenic. Please note: this variant was assessed in the context of healthy population screening.

Literature cited by the submitters: PubMed 8506298 (cited by Labcorp Genetics (formerly Invitae), Labcorp); PubMed 26476331 (cited by Labcorp Genetics (formerly Invitae), Labcorp).